The following is an entry in ClinVar:

ClinVar aggregate classification (germline): Uncertain significance (1 of 4 stars; one submission).

Allele frequency attached by ClinVar (database versions not stated): gnomAD exomes below 0.00001; ExAC 0.00001; TOPMed 0.00001; gnomAD 0.00003; ESP Exome Variant Server 0.00008.
gnomAD v4.1: 7 of 1,613,430 alleles (0.00043%); highest among the groups gnomAD compares: African/African-American, 0.0067%; no homozygotes.

Submission:

GeneDx
Classification: Uncertain significance. Last evaluated: 2023-11-27. Review status: criteria provided, single submitter. Criteria: GeneDx Variant Classification Process June 2021. Collection method: clinical testing. Allele origin: germline. Affected: yes.
Comment: Has not been previously published as pathogenic or benign to our knowledge; In silico analysis, which includes protein predictors and evolutionary conservation, supports a deleterious effect

NM_003737.4(DCHS1):c.6980A>G (p.Tyr2327Cys)

Gene: DCHS1 (dachsous cadherin-related 1; minus strand). Cytogenetic location: 11p15.4.
Variant type: single nucleotide variant.
Coding change: c.6980A>G on transcript NM_003737.4 (MANE Select); coding-DNA position 6980, A replaced by G.
Protein change: p.Tyr2327Cys; replaces tyrosine 2327 with cysteine.
Molecular consequence: missense variant.
Genome position (GRCh38, 1-based): chr11:6,625,364, T>C on the plus strand (A>G on the coding strand, the complement: DCHS1 is on the minus strand). VCF-style: chr11-6625364-T-C. GRCh37 (hg19) VCF-style: chr11-6646595-T-C.
Other names: short protein forms Y2327C.
Identifiers: ClinVar variation 1216849 (VCV001216849.4), dbSNP rs369945823, ClinGen allele CA5859721.